The following is an entry in ClinVar:

NM_016507.4(CDK12):c.3739A>G (p.Met1247Val)

Gene: CDK12 (cyclin dependent kinase 12; plus strand). Cytogenetic location: 17q12.
Variant type: single nucleotide variant.
Coding change: c.3739A>G on transcript NM_016507.4 (MANE Select); coding-DNA position 3739, A replaced by G.
Protein change: p.Met1247Val; replaces methionine 1247 with valine.
Molecular consequence: missense variant.
Genome position (GRCh38, 1-based): chr17:39,526,295, A>G. VCF-style: chr17-39526295-A-G. GRCh37 (hg19) VCF-style: chr17-37682548-A-G.
Other names: c.3739A>G, p.Met1247Val (NM_015083.4); short protein forms M1247V.
Identifiers: ClinVar variation 3830610 (VCV003830610.1).
Genomic context (GRCh38, chr17:39,526,295, plus strand): 5'-CTGGAGGAAAACAACAGTGACAAGAACAGTGGGCCACAGGGGCCCCGAAGAACTCCCACA[A>G]TGCCACAGGAGGAGGCAGCAGGTAAACAGACCGGTCATGAATCTCATTGAGCTCAGGTGC-3'
Protein context (NP_057591.2, residues 1237-1257): GPQGPRRTPT[Met1247Val]PQEEAAACPP

ClinVar aggregate classification (germline): Uncertain significance (1 of 4 stars; one submission).

Submission:

Ambry Genetics
Classification: Uncertain significance. Last evaluated: 2025-02-05. Review status: criteria provided, single submitter. Criteria: Ambry Variant Classification Scheme 2023. Collection method: clinical testing. Allele origin: germline.
Comment: The p.M1247V variant (also known as c.3739A>G), located in coding exon 13 of the CDK12 gene, results from an A to G substitution at nucleotide position 3739. The methionine at codon 1247 is replaced by valine, an amino acid with highly similar properties. This amino acid position is conserved. In addition, this alteration is predicted to be tolerated by in silico analysis. Based on the available evidence, the clinical significance of this variant remains unclear.